The following is an entry in ClinVar:

NM_177438.3(DICER1):c.2204G>A (p.Ser735Asn)

Gene: DICER1 (dicer 1, ribonuclease III; minus strand). Cytogenetic location: 14q32.13.
Variant type: single nucleotide variant.
Coding change: c.2204G>A on transcript NM_177438.3 (MANE Select); coding-DNA position 2204, G replaced by A.
Protein change: p.Ser735Asn; replaces serine 735 with asparagine.
Molecular consequence: missense variant. On other transcripts: non-coding transcript variant (6).
Genome position (GRCh38, 1-based): chr14:95,111,369, C>T on the plus strand (G>A on the coding strand, the complement: DICER1 is on the minus strand). VCF-style: chr14-95111369-C-T. GRCh37 (hg19) VCF-style: chr14-95577706-C-T.
Other names: c.2204G>A, p.Ser735Asn (NM_001395692.1, NM_001395693.1, NM_001395694.1 and 12 more transcripts); c.1799G>A, p.Ser600Asn (NM_001395696.1, NM_001395698.1, NM_001395687.1 and 3 more transcripts); c.521G>A, p.Ser174Asn (NM_001395697.1); c.1922G>A, p.Ser641Asn (NM_001395686.1); c.1637G>A, p.Ser546Asn (NM_001395691.1); short protein forms S546N, S600N, S641N, S174N, S735N.
Identifiers: ClinVar variation 4746829 (VCV004746829.2).

ClinVar aggregate classification (germline): Uncertain significance. Review status: criteria provided, multiple submitters, no conflicts (2 of 4 stars). 2 submissions from 2 submitters: Uncertain significance (2). Last evaluated 2026-07-07.

Conditions:
Hereditary cancer-predisposing syndrome. Also called: Hereditary Cancer Syndrome; Hereditary neoplastic syndrome; Neoplastic Syndromes, Hereditary; Tumor predisposition. Identifiers: Orphanet 140162, MedGen C0027672, MeSH D009386, MONDO:0015356.
DICER1-related tumor predisposition. Also called: DICER1-related pleuropulmonary blastoma cancer predisposition syndrome; DICER1 syndrome. Identifiers: Orphanet 284343, MedGen C3839822, MONDO:0100216.

Submissions (2):

Ambry Genetics
Classification: Uncertain significance for Hereditary cancer-predisposing syndrome. Last evaluated: 2026-07-07. Review status: criteria provided, single submitter. Criteria: Ambry Variant Classification Scheme 2023. Collection method: clinical testing. Allele origin: germline.
Comment: The p.S735N variant (also known as c.2204G>A), located in coding exon 13 of the DICER1 gene, results from a G to A substitution at nucleotide position 2204. The serine at codon 735 is replaced by asparagine, an amino acid with highly similar properties. This amino acid position is conserved. In addition, this alteration is predicted to be tolerated by in silico analysis. Based on the available evidence, the clinical significance of this variant remains unclear.

Labcorp Genetics (formerly Invitae), Labcorp
Classification: Uncertain significance for DICER1-related tumor predisposition. Last evaluated: 2025-09-10. Review status: criteria provided, single submitter. Criteria: Invitae Variant Classification Sherloc (09022015). Collection method: clinical testing. Allele origin: germline.
Comment: This sequence change replaces serine, which is neutral and polar, with asparagine, which is neutral and polar, at codon 735 of the DICER1 protein (p.Ser735Asn). This variant is not present in population databases (gnomAD no frequency). This variant has not been reported in the literature in individuals affected with DICER1-related conditions. Invitae Evidence Modeling of protein sequence and biophysical properties (such as structural, functional, and spatial information, amino acid conservation, physicochemical variation, residue mobility, and thermodynamic stability) indicates that this missense variant is not expected to disrupt DICER1 protein function with a negative predictive value of 95%. In summary, the available evidence is currently insufficient to determine the role of this variant in disease. Therefore, it has been classified as a Variant of Uncertain Significance.